The following is an entry in ClinVar:

ClinVar aggregate classification (germline): Uncertain significance. Review status: criteria provided, multiple submitters, no conflicts (2 of 4 stars). 2 submissions from 2 submitters: Uncertain significance (2). Last evaluated 2022-06-13.

Conditions:
Immunodeficiency-centromeric instability-facial anomalies syndrome 2 (ICF2). Identifiers: Orphanet 2268, MedGen C3279748, MONDO:0013553, OMIM 614069.

Allele frequency attached by ClinVar (database versions not stated): gnomAD exomes 0.00001 and 0.00002; ExAC 0.00002; gnomAD 0.00002; 1000 Genomes Project 0.00060; 1000 Genomes Project 30x 0.00062.
gnomAD v4.1: 11 of 1,614,152 alleles (0.00068%); highest among the groups gnomAD compares: East Asian, 0.02%; no homozygotes.

Submissions (2):

Labcorp Genetics (formerly Invitae), Labcorp
Classification: Uncertain significance for Immunodeficiency-centromeric instability-facial anomalies syndrome 2. Last evaluated: 2022-06-13. Review status: criteria provided, single submitter. Criteria: Invitae Variant Classification Sherloc (09022015). Collection method: clinical testing. Allele origin: germline.
Comment: This sequence change replaces histidine, which is basic and polar, with arginine, which is basic and polar, at codon 403 of the ZBTB24 protein (p.His403Arg). This variant is present in population databases (rs140690133, gnomAD 0.02%). This variant has not been reported in the literature in individuals affected with ZBTB24-related conditions. Algorithms developed to predict the effect of missense changes on protein structure and function are either unavailable or do not agree on the potential impact of this missense change (SIFT: "Not Available"; PolyPhen-2: "Benign"; Align-GVGD: "Not Available"). In summary, the available evidence is currently insufficient to determine the role of this variant in disease. Therefore, it has been classified as a Variant of Uncertain Significance.

Revvity Omics, Revvity
Classification: Uncertain significance for Immunodeficiency-centromeric instability-facial anomalies syndrome 2. Last evaluated: 2019-07-31. Review status: criteria provided, single submitter. Criteria: ACMG Guidelines, 2015. Collection method: clinical testing. Allele origin: germline.

NM_014797.3(ZBTB24):c.1208A>G (p.His403Arg)

Gene: ZBTB24 (zinc finger and BTB domain containing 24; minus strand). Cytogenetic location: 6q21.
Variant type: single nucleotide variant.
Coding change: c.1208A>G on transcript NM_014797.3 (MANE Select); coding-DNA position 1208, A replaced by G.
Protein change: p.His403Arg; replaces histidine 403 with arginine.
Molecular consequence: missense variant.
Genome position (GRCh38, 1-based): chr6:109,475,479, T>C on the plus strand (A>G on the coding strand, the complement: ZBTB24 is on the minus strand). VCF-style: chr6-109475479-T-C. GRCh37 (hg19) VCF-style: chr6-109796682-T-C.
Other names: c.1208A>G (NM_014797.2); short protein forms H403R.
Identifiers: ClinVar variation 1466497 (VCV001466497.8), dbSNP rs140690133, ClinGen allele CA3954136.